The following is an entry in ClinVar:

ClinVar aggregate classification (germline): Pathogenic. Review status: criteria provided, multiple submitters, no conflicts (2 of 4 stars). 4 submissions from 4 submitters: Pathogenic (3). 1 of the submissions does not count toward it. Last evaluated 2024-07-30.

Conditions:
Wilson disease (WND). Also called: Wilson's disease. Identifiers: Orphanet 905, MedGen C0019202, MONDO:0010200, OMIM 277900. Disease mechanism: loss of function.

Submissions (4):

Natera, Inc.
Classification: Pathogenic for Wilson disease. Last evaluated: 2024-07-30. Review status: criteria provided, single submitter. Criteria: Natera Variant Classification Schema (03/2026). Collection method: clinical testing. Allele origin: germline.
Comment: The c.2575+1G>A variant in ATP7B is a canonical splice donor site variant predicted to affect pre-mRNA splicing, which may result in an abnormal transcript and altered protein product. This variant is expected to result in nonsense mediated decay, truncation, or a dysfunctional protein product. This variant is rare in the general population with a frequency below the threshold expected for the associated phenotype(s). Another variant at this same site results in an alteration predicted to cause a similar molecular effect has been observed in individual(s) with the associated phenotype. Given the available evidence, this variant is classified as Pathogenic.

Genome-Nilou Lab
Classification: Pathogenic for Wilson disease. Last evaluated: 2021-08-10. Review status: criteria provided, single submitter. Criteria: ACMG Guidelines, 2015. Collection method: clinical testing. Allele origin: germline. Affected: no.

Mendelics
Classification: Pathogenic for Wilson disease. Last evaluated: 2019-05-28. Review status: criteria provided, single submitter. Criteria: Mendelics Assertion Criteria 2017. Collection method: clinical testing. Allele origin: unknown.

Counsyl
Classification: Likely pathogenic for Wilson disease. Last evaluated: 2018-03-09. Review status: no assertion criteria provided. Collection method: clinical testing. Allele origin: unknown. Not counted in ClinVar's aggregate classification.

NM_000053.4(ATP7B):c.2575+1G>A

Gene: ATP7B (ATPase copper transporting beta; minus strand). Cytogenetic location: 13q14.3.
Variant type: single nucleotide variant.
Coding change: c.2575+1G>A on transcript NM_000053.4 (MANE Select); the canonical splice donor site of the intron after coding-DNA position 2575, G replaced by A.
Molecular consequence: splice donor variant. On other transcripts: intron variant (1).
Genome position (GRCh38, 1-based): chr13:51,950,271, C>T on the plus strand (G>A on the coding strand, the complement: ATP7B is on the minus strand). VCF-style: chr13-51950271-C-T. GRCh37 (hg19) VCF-style: chr13-52524407-C-T.
Other names: c.2089+1G>A (NM_001406541.1, NM_001005918.3, NM_001406546.1 and 1 more transcripts); c.2323+1G>A (NM_001406531.1, NM_001406532.1, NM_001406540.1 and 1 more transcripts); c.2575+1G>A (NM_001406535.1, NM_001406519.1, NM_001406515.1 and 7 more transcripts); c.2479+1G>A (NM_001406518.1, NM_001406517.1); c.2146+1G>A (NM_001406539.1); c.1993+1G>A (NM_001406544.1); c.2245+1G>A (NM_001406536.1); c.2335+1G>A (NM_001406530.1); and 8 more.
Identifiers: ClinVar variation 557064 (VCV000557064.6), dbSNP rs766149114, ClinGen allele CA388015596.